The following is an entry in ClinVar:

ClinVar aggregate classification (germline): Uncertain significance (1 of 4 stars; one submission).

Submission:

CeGaT Center for Human Genetics Tuebingen
Classification: Uncertain significance. Last evaluated: 2023-10-01. Review status: criteria provided, single submitter. Criteria: CeGaT Center For Human Genetics Tuebingen Variant Classification Criteria Version 2. Collection method: clinical testing. Allele origin: germline. Affected: yes. Observed: 1 variant allele.
Comment: RYR2: PM2

NM_001035.3(RYR2):c.7244A>G (p.Glu2415Gly)

Gene: RYR2 (ryanodine receptor 2; plus strand). Cytogenetic location: 1q43.
Variant type: single nucleotide variant.
Coding change: c.7244A>G on transcript NM_001035.3 (MANE Select); coding-DNA position 7244, A replaced by G.
Protein change: p.Glu2415Gly; replaces glutamic acid 2415 with glycine.
Molecular consequence: missense variant.
Genome position (GRCh38, 1-based): chr1:237,643,349, A>G. VCF-style: chr1-237643349-A-G. GRCh37 (hg19) VCF-style: chr1-237806649-A-G.
Other names: short protein forms E2415G.
Identifiers: ClinVar variation 2640120 (VCV002640120.24), dbSNP rs2546990624, ClinGen allele CA345396900.